The following is an entry in ClinVar:

NM_018723.4(RBFOX1):c.466A>G (p.Lys156Glu)

Gene: RBFOX1 (RNA binding fox-1 homolog 1; plus strand). Cytogenetic location: 16p13.3.
Variant type: single nucleotide variant.
Coding change: c.466A>G on transcript NM_018723.4 (MANE Select); coding-DNA position 466, A replaced by G.
Protein change: p.Lys156Glu; replaces lysine 156 with glutamic acid.
Molecular consequence: missense variant.
Genome position (GRCh38, 1-based): chr16:7,587,298, A>G. VCF-style: chr16-7587298-A-G. GRCh37 (hg19) VCF-style: chr16-7637300-A-G.
Other names: c.466A>G, p.Lys156Glu (NM_001142333.2, NM_001415916.1, NM_001142334.2 and 1 more transcripts); c.541A>G, p.Lys181Glu (NM_001415893.1, NM_001415899.1, NM_001415901.1 and 4 more transcripts); c.574A>G, p.Lys192Glu (NM_001415894.1, NM_001415898.1, NM_001415900.1 and 5 more transcripts); c.595A>G, p.Lys199Glu (NM_001415895.1, NM_001415897.1, NM_001415914.1 and 5 more transcripts); c.526A>G, p.Lys176Glu (NM_001415896.1, NM_001415915.1, NM_145891.3 and 4 more transcripts); c.472A>G, p.Lys158Glu (NM_001415917.1, NM_001415902.1, NM_001415911.1); c.1063A>G, p.Lys355Glu (NM_001415887.1, NM_001415888.1); short protein forms K156E, K158E, K176E, K181E, K192E, K199E, K355E.
Identifiers: ClinVar variation 4863051 (VCV004863051.1).

ClinVar aggregate classification (germline): Uncertain significance (1 of 4 stars; one submission).

Conditions:
Inborn genetic diseases. Identifiers: MedGen C0950123, MeSH D030342.

Submission:

Ambry Genetics
Classification: Uncertain significance for Inborn genetic diseases. Last evaluated: 2026-06-05. Review status: criteria provided, single submitter. Criteria: Ambry Variant Classification Scheme 2023. Collection method: clinical testing. Allele origin: germline.
Comment: The c.526A>G (p.K176E) alteration is located in exon 4 (coding exon 4) of the RBFOX1 gene. This alteration results from a A to G substitution at nucleotide position 526, causing the lysine (K) at amino acid position 176 to be replaced by a glutamic acid (E). This variant was not reported in population-based cohorts in the Genome Aggregation Database (gnomAD). This amino acid position is highly conserved in available vertebrate species. This missense variant is located in a region that has a low rate of benign missense variation (Lek, 2016; Firth, 2009). This alteration is predicted to be deleterious by in silico analysis. Based on insufficient or conflicting evidence, the clinical significance of this alteration remains unclear.